The following is an entry in ClinVar:

NM_206996.4(SPAG17):c.1080G>A (p.Arg360=)

Gene: SPAG17 (sperm associated antigen 17; minus strand). Cytogenetic location: 1p12.
Variant type: single nucleotide variant.
Coding change: c.1080G>A on transcript NM_206996.4 (MANE Select); coding-DNA position 1080, G replaced by A.
Protein change: p.Arg360=; no amino-acid change (arginine 360 retained).
Molecular consequence: synonymous variant.
Genome position (GRCh38, 1-based): chr1:118,093,249, C>T on the plus strand (G>A on the coding strand, the complement: SPAG17 is on the minus strand). VCF-style: chr1-118093249-C-T. GRCh37 (hg19) VCF-style: chr1-118635872-C-T.
Identifiers: ClinVar variation 3039361 (VCV003039361.2), dbSNP rs559962937, ClinGen allele CA1034398.

ClinVar aggregate classification (germline): Likely benign (0 of 4 stars; one submission).

Conditions:
SPAG17-related disorder. Also called: SPAG17-related condition.

Allele frequency attached by ClinVar (database versions not stated): TOPMed 0.00003; gnomAD 0.00025; ExAC 0.00133; 1000 Genomes Project 30x 0.00141; 1000 Genomes Project 0.00160.
gnomAD v4.1: 834 of 1,613,660 alleles (0.052%); highest among the groups gnomAD compares: South Asian, 0.83%; 9 homozygotes.

Submission:

PreventionGenetics, part of Exact Sciences
Classification: Likely benign for SPAG17-related condition. Last evaluated: 2019-03-27. Review status: no assertion criteria provided. Collection method: clinical testing. Allele origin: germline.
Comment: This variant is classified as likely benign based on ACMG/AMP sequence variant interpretation guidelines (Richards et al. 2015 PMID: 25741868, with internal and published modifications).